The following is an entry in ClinVar:

NM_022489.4(INF2):c.*10C>T

Gene: INF2 (inverted formin 2; plus strand). Cytogenetic location: 14q32.33.
Variant type: single nucleotide variant.
Coding change: c.*10C>T on transcript NM_022489.4 (MANE Select); 10 bases downstream of the stop codon, C replaced by T.
Molecular consequence: 3 prime UTR variant. On other transcripts: missense variant (1).
Genome position (GRCh38, 1-based): chr14:104,718,803, C>T. VCF-style: chr14-104718803-C-T. GRCh37 (hg19) VCF-style: chr14-105185140-C-T.
Other names: c.3703C>T, p.Pro1235Ser (NM_001031714.4); short protein forms P1235S.
Identifiers: ClinVar variation 312713 (VCV000312713.13), dbSNP rs142710295, ClinGen allele CA7373440.

ClinVar aggregate classification (germline): Benign/Likely benign. Review status: criteria provided, multiple submitters, no conflicts (2 of 4 stars). 6 submissions from 6 submitters: Benign (4); Likely benign (1). 1 of the submissions does not count toward it. Last evaluated 2024-11-26.

Conditions:
Focal segmental glomerulosclerosis 5 (FSGS5). Identifiers: Orphanet 656, MedGen C2750475, MONDO:0013191, OMIM 613237.
Charcot-Marie-Tooth disease. Also called: Charcot-Marie-Tooth Neuropathy; Charcot-Marie-Tooth Hereditary Neuropathy. Identifiers: Orphanet 166, MedGen C0007959, MONDO:0015626.

Allele frequency attached by ClinVar (database versions not stated): gnomAD exomes 0.00056 and 0.00131; ExAC 0.00160; gnomAD 0.00541 and 0.00580; ESP Exome Variant Server 0.00554; TOPMed 0.00614; 1000 Genomes Project 0.00699; 1000 Genomes Project 30x 0.00718.
gnomAD v4.1: 1,687 of 1,613,072 alleles (0.1%); highest among the groups gnomAD compares: African/African-American, 2%; 14 homozygotes.

Submissions (6):

Blueprint Genetics
Classification: Likely benign. Last evaluated: 2024-11-26. Review status: criteria provided, single submitter. Criteria: ACMG Guidelines, 2015. Collection method: clinical testing. Allele origin: germline.

ARUP Laboratories, Molecular Genetics and Genomics, ARUP Laboratories
Classification: Benign. Last evaluated: 2021-09-27. Review status: criteria provided, single submitter. Criteria: ARUP Molecular Germline Variant Investigation Process 2021. Collection method: clinical testing. Allele origin: germline.

Illumina Laboratory Services, Illumina
Classification: Benign for Focal segmental glomerulosclerosis 5. Last evaluated: 2018-01-13. Review status: criteria provided, single submitter. Criteria: ICSL Variant Classification Criteria 13 December 2019. Collection method: clinical testing. Allele origin: germline.
Comment: This variant was observed in the ICSL laboratory as part of a predisposition screen in an ostensibly healthy population. It had not been previously curated by ICSL or reported in the Human Gene Mutation Database (HGMD: prior to June 1st, 2018), and was therefore a candidate for classification through an automated scoring system. Utilizing variant allele frequency, disease prevalence and penetrance estimates, and inheritance mode, an automated score was calculated to assess if this variant is too frequent to cause the disease. Based on the score and internal cut-off values, a variant classified as benign is not then subjected to further curation. The score for this variant resulted in a classification of benign for this disease.

GeneDx
Classification: Benign. Last evaluated: 2016-07-01. Review status: criteria provided, single submitter. Criteria: GeneDx Variant Classification (06012015). Collection method: clinical testing. Allele origin: germline. Affected: yes.
Comment: This variant is considered likely benign or benign based on one or more of the following criteria: it is a conservative change, it occurs at a poorly conserved position in the protein, it is predicted to be benign by multiple in silico algorithms, and/or has population frequency not consistent with disease.

Breakthrough Genomics
Classification: Benign. Review status: criteria provided, single submitter. Criteria: ACMG Guidelines, 2015. Collection method: not provided. Allele origin: germline. Inheritance: Autosomal dominant inheritance. Affected: yes.

Inherited Neuropathy Consortium
Classification: Uncertain significance for Charcot-Marie-Tooth disease. Review status: no assertion criteria provided. Collection method: provider interpretation. Allele origin: inherited. Affected: yes. Not counted in ClinVar's aggregate classification.